The following is an entry in ClinVar:

ClinVar aggregate classification (germline): Pathogenic/Likely pathogenic. Review status: criteria provided, multiple submitters, no conflicts (2 of 4 stars). 3 submissions from 3 submitters: Pathogenic (1); Likely pathogenic (2). Last evaluated 2023-04-11.

Conditions:
Microcephaly 5, primary, autosomal recessive (MCPH5). Also called: ASPM Primary Microcephaly. Identifiers: Orphanet 2512, MedGen C1837501, MONDO:0012106, OMIM 608716.

Allele frequency attached by ClinVar (database versions not stated): gnomAD 0.00001.
gnomAD v4.1: 7 of 1,613,276 alleles (0.00043%); highest among the groups gnomAD compares: African/African-American, 0.0027%; no homozygotes.

Submissions (3):

Genome-Nilou Lab
Classification: Likely pathogenic for Microcephaly 5, primary, autosomal recessive. Last evaluated: 2023-04-11. Review status: criteria provided, single submitter. Criteria: ACMG Guidelines, 2015. Collection method: clinical testing. Allele origin: germline. Affected: no.

Labcorp Genetics (formerly Invitae), Labcorp
Classification: Likely pathogenic. Last evaluated: 2022-04-30. Review status: criteria provided, single submitter. Criteria: Invitae Variant Classification Sherloc (09022015). Collection method: clinical testing. Allele origin: germline.
Comment: Algorithms developed to predict the effect of sequence changes on RNA splicing suggest that this variant may disrupt the consensus splice site. This sequence change affects an acceptor splice site in intron 7 of the ASPM gene. It is expected to disrupt RNA splicing. Variants that disrupt the donor or acceptor splice site typically lead to a loss of protein function (PMID: 16199547), and loss-of-function variants in ASPM are known to be pathogenic (PMID: 19028728, 23611254). This variant is present in population databases (no rsID available, gnomAD 0.004%). This variant has not been reported in the literature in individuals affected with ASPM-related conditions. ClinVar contains an entry for this variant (Variation ID: 434416). In summary, the currently available evidence indicates that the variant is pathogenic, but additional data are needed to prove that conclusively. Therefore, this variant has been classified as Likely Pathogenic.

Genetic Services Laboratory, University of Chicago
Classification: Pathogenic for Microcephaly 5, primary, autosomal recessive. Last evaluated: 2015-11-20. Review status: criteria provided, single submitter. Criteria: ACMG Guidelines, 2015. Collection method: clinical testing. Allele origin: germline. Affected: yes.

Literature cited by the submitters: PubMed 16199547 (cited by Labcorp Genetics (formerly Invitae), Labcorp); PubMed 19028728 (cited by Labcorp Genetics (formerly Invitae), Labcorp); PubMed 23611254 (cited by Labcorp Genetics (formerly Invitae), Labcorp).

NM_018136.5(ASPM):c.2488-1G>C

Gene: ASPM (assembly factor for spindle microtubules; minus strand). Cytogenetic location: 1q31.3.
Variant type: single nucleotide variant.
Coding change: c.2488-1G>C on transcript NM_018136.5 (MANE Select); the canonical splice acceptor site of the intron before coding-DNA position 2488, G replaced by C.
Molecular consequence: splice acceptor variant.
Genome position (GRCh38, 1-based): chr1:197,130,057, C>G on the plus strand (G>C on the coding strand, the complement: ASPM is on the minus strand). VCF-style: chr1-197130057-C-G. GRCh37 (hg19) VCF-style: chr1-197099187-C-G.
Other names: c.2488-1G>C (NM_001206846.2).
Identifiers: ClinVar variation 434416 (VCV000434416.11), dbSNP rs1321892596, ClinGen allele CA344050315.